The following is an entry in ClinVar:

ClinVar aggregate classification (germline): Uncertain significance (1 of 4 stars; one submission).

Conditions:
Colorectal cancer, hereditary nonpolyposis, type 7. Identifiers: Orphanet 144, MedGen C1858380, MONDO:0013725, OMIM 614385.

Submission:

Labcorp Genetics (formerly Invitae), Labcorp
Classification: Uncertain significance for Colorectal cancer, hereditary nonpolyposis, type 7. Last evaluated: 2025-07-22. Review status: criteria provided, single submitter. Criteria: Invitae Variant Classification Sherloc (09022015). Collection method: clinical testing. Allele origin: germline.
Comment: This sequence change falls in intron 6 of the MLH3 gene. It does not directly change the encoded amino acid sequence of the MLH3 protein. It affects a nucleotide within the consensus splice site. This variant is not present in population databases (gnomAD no frequency). This variant has not been reported in the literature in individuals affected with MLH3-related conditions. Variants that disrupt the consensus splice site are a relatively common cause of aberrant splicing (PMID: 17576681, 9536098). Algorithms developed to predict the effect of sequence changes on RNA splicing suggest that this variant may disrupt the consensus splice site. In summary, the available evidence is currently insufficient to determine the role of this variant in disease. Therefore, it has been classified as a Variant of Uncertain Significance.

Literature cited by the submitters: PubMed 17576681; PubMed 9536098.

NM_001040108.2(MLH3):c.3644-2dup

Gene: MLH3 (mutL homolog 3; minus strand). Cytogenetic location: 14q24.3.
Variant type: Duplication.
Coding change: c.3644-2dup on transcript NM_001040108.2 (MANE Select); the canonical splice acceptor site of the intron before coding-DNA position 3644, one base duplicated (A; older notation c.3644-2dupA).
Molecular consequence: splice acceptor variant. On other transcripts: intron variant (1).
Genome position (GRCh38, 1-based): chr14:75,033,492, T duplicated on the plus strand (A on the coding strand, the reverse complement: MLH3 is on the minus strand). VCF-style (leftmost placement, unchanged base first): chr14-75033491-C-CT. GRCh37 (hg19) VCF-style: chr14-75500194-C-CT.
Other names: c.3644-1313dup (NM_014381.3).
Identifiers: ClinVar variation 4715496 (VCV004715496.1).